The following is an entry in ClinVar:

NM_001009944.3(PKD1):c.5923C>T (p.Gln1975Ter)

Gene: PKD1 (polycystin 1, transient receptor potential channel interacting; minus strand). Cytogenetic location: 16p13.3.
Variant type: single nucleotide variant.
Coding change: c.5923C>T on transcript NM_001009944.3 (MANE Select); coding-DNA position 5923, C replaced by T.
Protein change: p.Gln1975Ter; replaces glutamine 1975 with a stop codon.
Molecular consequence: nonsense.
Genome position (GRCh38, 1-based): chr16:2,109,244, G>A on the plus strand (C>T on the coding strand, the complement: PKD1 is on the minus strand). VCF-style: chr16-2109244-G-A. GRCh37 (hg19) VCF-style: chr16-2159245-G-A.
Other names: c.5923C>T, p.Gln1975Ter (NM_000296.4); short protein forms Q1975*.
Identifiers: ClinVar variation 997170 (VCV000997170.11), dbSNP rs2092439541, ClinGen allele CA394375036.
Genomic context (GRCh38, chr16:2,109,244, plus strand): 5'-GGGCTGTGAAGTTCCTCTCAGTGCCCGTGGCGATGCCAGGCTCGCAGCAGTTGGGCACCT[G>A]CAGCCCACTCACGGCCTCCAGCACCACGATGCGCACCTGCGCCTGGGCCCAGCTCACGTG-3'

ClinVar aggregate classification (germline): Pathogenic. Review status: criteria provided, multiple submitters, no conflicts (2 of 4 stars). 6 submissions from 6 submitters: Pathogenic (5). 1 of the submissions does not count toward it. Last evaluated 2026-04-21.

Conditions:
Polycystic kidney disease. Also called: Kidney, Polycystic; Polycystic kidney dysplasia. Identifiers: MedGen C0022680, MeSH D007690, MONDO:0020642, HP:0000113.
Autosomal dominant polycystic kidney disease. Identifiers: Orphanet 730, MedGen C0085413, MONDO:0004691.
Polycystic kidney disease, adult type (PKD1). Also called: Polycystic Kidney Disease 1, Autosomal Dominant; Polycystic kidney disease 1; Polycystic kidney disease 1, severe; POLYCYSTIC KIDNEY DISEASE 1 WITH OR WITHOUT POLYCYSTIC LIVER DISEASE; POLYCYSTIC KIDNEY DISEASE, ADULT, TYPE I; Polycystic Kidney, Autosomal Dominant. Identifiers: MedGen C3149841, MONDO:0008263, OMIM 173900.
PKD1-related disorder. Also called: PKD1-related condition.

Submissions (6):

Women's Health and Genetics/Laboratory Corporation of America, LabCorp
Classification: Pathogenic for Polycystic kidney disease, adult type. Last evaluated: 2026-04-21. Review status: criteria provided, single submitter. Criteria: LabCorp Variant Classification Summary - May 2015. Collection method: clinical testing. Allele origin: germline.
Comment: Variant summary: PKD1 c.5923C>T (p.Gln1975X) results in a premature termination codon, predicted to cause a truncation of the encoded protein or absence of the protein due to nonsense mediated decay, which are commonly known mechanisms for disease. The variant was absent in 232382 control chromosomes. c.5923C>T has been observed in individual(s) affected with Polycystic Kidney Disease 1 (example, Xu_2024). To our knowledge, no experimental evidence demonstrating an impact on protein function has been reported. ClinVar contains an entry for this variant (Variation ID: 997170). The following publication has been ascertained in the context of this evaluation (PMID: 38527221). Based on the evidence outlined above, the variant was classified as pathogenic.

Clinical Genetics Laboratory, Skane University Hospital Lund
Classification: Pathogenic for Autosomal dominant polycystic kidney disease. Last evaluated: 2025-03-06. Review status: criteria provided, single submitter. Criteria: ACMG Guidelines, 2015. Collection method: clinical testing. Allele origin: germline. Affected: yes.
Comment: PVS1, PS4, PM2

GeneDx
Classification: Pathogenic. Last evaluated: 2024-05-14. Review status: criteria provided, single submitter. Criteria: GeneDx Variant Classification Process June 2021. Collection method: clinical testing. Allele origin: germline. Affected: yes.
Comment: Nonsense variant predicted to result in protein truncation or nonsense mediated decay in a gene for which loss of function is a known mechanism of disease; Not observed at significant frequency in large population cohorts (gnomAD); This variant is associated with the following publications: (PMID: 35325889, 22008521, 36938073)

Fulgent Genetics
Classification: Pathogenic for Polycystic kidney disease, adult type. Last evaluated: 2024-02-26. Review status: criteria provided, single submitter. Criteria: ACMG Guidelines, 2015. Collection method: clinical testing. Allele origin: germline.

Blueprint Genetics
Classification: Pathogenic for PKD1-related disorders. Last evaluated: 2022-01-19. Review status: criteria provided, single submitter. Criteria: ACMG Guidelines, 2015. Collection method: clinical testing. Allele origin: germline. Affected: yes. Observed: 1 variant allele.

Department of Pathology and Laboratory Medicine, Sinai Health System
Classification: Pathogenic for Polycystic Kidney disease. Review status: no assertion criteria provided. Collection method: clinical testing. Allele origin: unknown. Affected: yes. Study: The Canadian Open Genetics Repository (COGR). Not counted in ClinVar's aggregate classification.
Comment: The PKD1 p.Gln1975* variant was identified in 1 of 74 proband chromosomes (frequency: 0.01) from individuals or families with autosomal dominant polycystic kidney disease and was not identified in 100 control chromosomes from healthy individuals (Bataille 2011). The variant was also identified in ADPKD Mutation Database (as Definitely Pathogenic). It was not identified in the dbSNP, ClinVar, LOVD 3.0 or PKD1-LOVD databases. The variant was not identified in the following control databases: the Exome Aggregation Consortium (August 8th 2016) or the Genome Aggregation Database (Feb 27, 2017). The p.Gln1975* variant leads to a premature stop codon at position 1975, which is predicted to lead to a truncated or absent protein and loss of function. Loss of function variants of the PKD1 gene are an established mechanism of disease in autosomal dominant polycystic kidney disease and is the type of variant expected to cause the disorder. In summary, based on the above information, this variant meets our laboratoryâ€šÃ„Ã´s criteria to be classified as pathogenic.

Literature cited by the submitters: PubMed 38527221 (cited by Women's Health and Genetics/Laboratory Corporation of America, LabCorp).